The following is an entry in ClinVar:

NC_000016.9:g.(?_169115)_(169264_?)del

Gene: NPRL3 (NPR3 like, GATOR1 complex subunit; minus strand). Cytogenetic location: 16p13.3.
Variant type: Deletion.
Identifiers: ClinVar variation 1072232 (VCV001072232.5).

ClinVar aggregate classification (germline): Pathogenic (1 of 4 stars; one submission).

Conditions:
Epilepsy, familial focal, with variable foci 3 (FFEVF3). Identifiers: MedGen C4310708, MONDO:0014925, OMIM 617118.

Submission:

Labcorp Genetics (formerly Invitae), Labcorp
Classification: Pathogenic for Epilepsy, familial focal, with variable foci 3. Last evaluated: 2020-08-30. Review status: criteria provided, single submitter. Criteria: Invitae Variant Classification Sherloc (09022015). Collection method: clinical testing. Allele origin: germline.
Comment: For these reasons, this variant has been classified as Pathogenic. Loss-of-function variants in NPRL3 are known to be pathogenic (PMID: 26285051, 26505888). This variant has not been reported in the literature in individuals with NPRL3-related conditions. This variant is an out-of-frame deletion of the genomic region encompassing exon(s) 4 of the NPRL3 gene. This is expected to create a premature translational stop signal and result in an absent or disrupted protein product.

Literature cited by the submitters: PubMed 26285051; PubMed 26505888.